The following is an entry in ClinVar:

ClinVar aggregate classification (germline): Uncertain significance (1 of 4 stars; one submission).

Conditions:
Hereditary cancer-predisposing syndrome. Also called: Tumor predisposition; Hereditary neoplastic syndrome; Hereditary Cancer Syndrome; Neoplastic Syndromes, Hereditary. Identifiers: Orphanet 140162, MedGen C0027672, MeSH D009386, MONDO:0015356.

Allele frequency attached by ClinVar (database versions not stated): gnomAD exomes below 0.00001.
gnomAD v4.1: 1 of 1,606,480 alleles (0.000062%); highest among the groups gnomAD compares: Non-Finnish European, 0.000085%; no homozygotes.

Submission:

Ambry Genetics
Classification: Uncertain significance for Hereditary cancer-predisposing syndrome. Last evaluated: 2023-12-08. Review status: criteria provided, single submitter. Criteria: Ambry Variant Classification Scheme 2023. Collection method: clinical testing. Allele origin: germline.
Comment: The p.S1025G variant (also known as c.3073A>G), located in coding exon 15 of the BLM gene, results from an A to G substitution at nucleotide position 3073. The serine at codon 1025 is replaced by glycine, an amino acid with similar properties. This amino acid position is highly conserved in available vertebrate species. In addition, this alteration is predicted to be deleterious by in silico analysis. Since supporting evidence is limited at this time, the clinical significance of this alteration remains unclear.

NM_000057.4(BLM):c.3073A>G (p.Ser1025Gly)

Gene: BLM (BLM RecQ like helicase; plus strand). Cytogenetic location: 15q26.1.
Variant type: single nucleotide variant.
Coding change: c.3073A>G on transcript NM_000057.4 (MANE Select); coding-DNA position 3073, A replaced by G.
Protein change: p.Ser1025Gly; replaces serine 1025 with glycine.
Molecular consequence: missense variant.
Genome position (GRCh38, 1-based): chr15:90,794,220, A>G. VCF-style: chr15-90794220-A-G. GRCh37 (hg19) VCF-style: chr15-91337450-A-G.
Other names: c.3073A>G, p.Ser1025Gly (NM_001287246.2, NM_001287247.2); c.1948A>G, p.Ser650Gly (NM_001287248.2); short protein forms S1025G, S650G.
Identifiers: ClinVar variation 3224375 (VCV003224375.1), dbSNP rs2505524824, ClinGen allele CA393846768.